The following is an entry in ClinVar:

NM_002887.4(RARS1):c.1873+33dup

Gene: RARS1 (arginyl-tRNA synthetase 1; plus strand). Cytogenetic location: 5q34.
Variant type: Duplication.
Coding change: c.1873+33dup on transcript NM_002887.4 (MANE Select); 33 bases into the intron after coding-DNA position 1873, one base duplicated (T; older notation c.1873+33dupT).
Molecular consequence: intron variant.
Genome position (GRCh38, 1-based): chr5:168,518,095, T duplicated; the last of 24 consecutive T bases (chr5:168,518,072-168,518,095); duplicating any one gives the same sequence. VCF-style (leftmost placement, unchanged base first): chr5-168518071-C-CT. GRCh37 (hg19) VCF-style: chr5-167945076-C-CT.
Other names: p.?.
Identifiers: ClinVar variation 4684887 (VCV004684887.2).

ClinVar aggregate classification (germline): Benign/Likely benign. Review status: criteria provided, multiple submitters, no conflicts (2 of 4 stars). 2 submissions from 2 submitters: Benign (1); Likely benign (1). Last evaluated 2025-02-10.

Submissions (2):

Mayo Clinic Laboratories, Mayo Clinic
Classification: Benign. Last evaluated: 2025-02-10. Review status: criteria provided, single submitter. Criteria: ACMG Guidelines, 2015. Collection method: clinical testing. Allele origin: germline. Observed: 19 variant alleles.
Comment: BA1, BP4, BP7

Blueprint Genetics
Classification: Likely benign. Last evaluated: 2024-11-19. Review status: criteria provided, single submitter. Criteria: ACMG Guidelines, 2015. Collection method: clinical testing. Allele origin: germline.